The following is an entry in ClinVar:

NM_001378454.1(ALMS1):c.5915del (p.Ile1972fs)

Gene: ALMS1 (ALMS1 centrosome and basal body associated protein; plus strand). Cytogenetic location: 2p13.1.
Variant type: Deletion.
Coding change: c.5915del on transcript NM_001378454.1 (MANE Select); coding-DNA position 5915, one base deleted (T; older notation c.5915delT).
Protein change: p.Ile1972fs; shifts the reading frame from isoleucine 1972.
Molecular consequence: frameshift variant.
Genome position (GRCh38, 1-based): chr2:73,452,442, T deleted. VCF-style (leftmost placement, unchanged base first): chr2-73452441-AT-A. GRCh37 (hg19) VCF-style: chr2-73679568-AT-A.
Other names: c.5918del, p.Ile1973fs (NM_015120.4); short protein forms I1972fs, I1973fs.
Identifiers: ClinVar variation 2974501 (VCV002974501.3), dbSNP rs2466106833, ClinGen allele CA2740095621.

ClinVar aggregate classification (germline): Pathogenic (1 of 4 stars; one submission).

Conditions:
Alstrom syndrome (ALMS). Identifiers: Orphanet 64, MedGen C0268425, MONDO:0008763, OMIM 203800.

Submission:

Labcorp Genetics (formerly Invitae), Labcorp
Classification: Pathogenic for Alstrom syndrome. Last evaluated: 2024-10-17. Review status: criteria provided, single submitter. Criteria: Invitae Variant Classification Sherloc (09022015). Collection method: clinical testing. Allele origin: germline.
Comment: This sequence change creates a premature translational stop signal (p.Ile1973Asnfs*11) in the ALMS1 gene. It is expected to result in an absent or disrupted protein product. Loss-of-function variants in ALMS1 are known to be pathogenic (PMID: 17594715). This variant is not present in population databases (gnomAD no frequency). This variant has not been reported in the literature in individuals affected with ALMS1-related conditions. For these reasons, this variant has been classified as Pathogenic.

Literature cited by the submitters: PubMed 17594715.